The following is an entry in ClinVar:

ClinVar aggregate classification (germline): Conflicting classifications of pathogenicity. Review status: criteria provided, conflicting classifications (1 of 4 stars). 4 submissions from 4 submitters: Uncertain significance (1); Likely benign (2). 1 of the submissions does not count toward it. Last evaluated 2026-01-02.

Conditions:
MHC class I deficiency. Identifiers: Orphanet 34592, MedGen C6024714, MONDO:0011476.
TAP2-related disorder. Also called: TAP2-related condition.

Allele frequency attached by ClinVar (database versions not stated): ExAC 0.00122; gnomAD 0.00001 and 0.00049; TOPMed 0.00008; gnomAD exomes 0.00060 and 0.00119; 1000 Genomes Project 30x 0.00203; 1000 Genomes Project 0.00240.

Submissions (4):

Labcorp Genetics (formerly Invitae), Labcorp
Classification: Likely benign for MHC class I deficiency 1. Last evaluated: 2026-01-02. Review status: criteria provided, single submitter. Criteria: Invitae Variant Classification Sherloc (09022015). Collection method: clinical testing. Allele origin: germline.

GeneDx
Classification: Uncertain significance. Last evaluated: 2023-05-09. Review status: criteria provided, single submitter. Criteria: GeneDx Variant Classification Process June 2021. Collection method: clinical testing. Allele origin: germline. Affected: yes.
Comment: Has not been previously reported as a pathogenic or benign germline variant to our knowledge; In silico analysis supports that this missense variant has a deleterious effect on protein structure/function; This variant is associated with the following publications: (PMID: Liu2020[CaseReport])

Fulgent Genetics
Classification: Likely benign for MHC class I deficiency 1. Last evaluated: 2022-01-13. Review status: criteria provided, single submitter. Criteria: ACMG Guidelines, 2015. Collection method: clinical testing. Allele origin: unknown.

PreventionGenetics, part of Exact Sciences
Classification: Benign for TAP2-related condition. Last evaluated: 2019-02-21. Review status: no assertion criteria provided. Collection method: clinical testing. Allele origin: germline. Not counted in ClinVar's aggregate classification.
Comment: This variant is classified as benign based on ACMG/AMP sequence variant interpretation guidelines (Richards et al. 2015 PMID: 25741868, with internal and published modifications).

NM_001290043.2(TAP2):c.139G>C (p.Gly47Arg)

Gene: TAP2 (transporter 2, ATP binding cassette subfamily B member; minus strand). Cytogenetic location: 6p21.32.
Variant type: single nucleotide variant.
Coding change: c.139G>C on transcript NM_001290043.2 (MANE Select); coding-DNA position 139, G replaced by C.
Protein change: p.Gly47Arg; replaces glycine 47 with arginine.
Molecular consequence: missense variant.
Genome position (GRCh38, 1-based): chr6:32,838,095, C>G on the plus strand (G>C on the coding strand, the complement: TAP2 is on the minus strand). VCF-style: chr6-32838095-C-G. GRCh37 (hg19) VCF-style: chr6-32805872-C-G.
Other names: c.139G>C, p.Gly47Arg (NM_000544.3, NM_018833.3); short protein forms G47R.
Identifiers: ClinVar variation 788187 (VCV000788187.13), dbSNP rs370260585, ClinGen allele CA3746212.